The following is an entry in ClinVar:

NM_001164508.2(NEB):c.17845-3C>G

Gene: NEB (nebulin; minus strand). Cytogenetic location: 2q23.3.
Variant type: single nucleotide variant.
Coding change: c.17845-3C>G on transcript NM_001164508.2 (MANE Select); 3 bases into the intron before coding-DNA position 17845, C replaced by G.
Molecular consequence: intron variant.
Genome position (GRCh38, 1-based): chr2:151,567,482, G>C on the plus strand (C>G on the coding strand, the complement: NEB is on the minus strand). VCF-style: chr2-151567482-G-C. GRCh37 (hg19) VCF-style: chr2-152423996-G-C.
Other names: c.12742-3C>G (NM_004543.5); c.17845-3C>G (NM_001164507.2, NM_001271208.2).
Identifiers: ClinVar variation 1391903 (VCV001391903.6), dbSNP rs2153740439, ClinGen allele CA2573133210.

ClinVar aggregate classification (germline): Uncertain significance (1 of 4 stars; one submission).

Conditions:
Nemaline myopathy 2 (NEM2). Also called: Nemaline myopathy 2, autosomal recessive. Identifiers: MedGen C1850569, MONDO:0009725, OMIM 256030.

Submission:

Labcorp Genetics (formerly Invitae), Labcorp
Classification: Uncertain significance for Nemaline myopathy 2. Last evaluated: 2023-11-27. Review status: criteria provided, single submitter. Criteria: Invitae Variant Classification Sherloc (09022015). Collection method: clinical testing. Allele origin: germline.
Comment: This sequence change falls in intron 113 of the NEB gene. It does not directly change the encoded amino acid sequence of the NEB protein. It affects a nucleotide within the consensus splice site. This variant is not present in population databases (gnomAD no frequency). This variant has been observed in individual(s) with clinical features of NEB-related conditions (Invitae). In at least one individual the data is consistent with being in trans (on the opposite chromosome) from a pathogenic variant. ClinVar contains an entry for this variant (Variation ID: 1391903). Variants that disrupt the consensus splice site are a relatively common cause of aberrant splicing (PMID: 17576681, 9536098). Algorithms developed to predict the effect of sequence changes on RNA splicing suggest that this variant may disrupt the consensus splice site. In summary, the available evidence is currently insufficient to determine the role of this variant in disease. Therefore, it has been classified as a Variant of Uncertain Significance.

Literature cited by the submitters: PubMed 17576681; PubMed 9536098.